The following is an entry in ClinVar:

NM_004341.5(CAD):c.5991C>A (p.Ala1997=)

Gene: CAD (carbamoyl-phosphate synthetase 2, aspartate transcarbamylase, and dihydroorotase; plus strand). Cytogenetic location: 2p23.3.
Variant type: single nucleotide variant.
Coding change: c.5991C>A on transcript NM_004341.5 (MANE Select); coding-DNA position 5991, C replaced by A.
Protein change: p.Ala1997=; no amino-acid change (alanine 1997 retained).
Molecular consequence: synonymous variant.
Genome position (GRCh38, 1-based): chr2:27,242,018, C>A. VCF-style: chr2-27242018-C-A. GRCh37 (hg19) VCF-style: chr2-27464886-C-A.
Other names: c.5802C>A, p.Ala1934= (NM_001306079.2).
Identifiers: ClinVar variation 2650764 (VCV002650764.24), dbSNP rs2465367166, ClinGen allele CA425600225.
Genomic context (GRCh38, chr2:27,242,018, plus strand): 5'-CAGCTCCTTTGCAGCAGCCATGGCCCGGCTGGGAGGTGCTGTGCTCAGCTTCTCGGAAGC[C>A]ACATCGTCCGTCCAGAAGGGCGAATCCCTGGCTGACTCCGTGCAGACCATGAGCTGCTAT-3'
Protein context (NP_004332.2, residues 1987-2007): LGGAVLSFSE[Ala1997=]TSSVQKGESL

ClinVar aggregate classification (germline): Likely benign (1 of 4 stars; one submission).

Submission:

CeGaT Center for Human Genetics Tuebingen
Classification: Likely benign. Last evaluated: 2023-09-01. Review status: criteria provided, single submitter. Criteria: CeGaT Center For Human Genetics Tuebingen Variant Classification Criteria Version 2. Collection method: clinical testing. Allele origin: germline. Affected: yes. Observed: 1 variant allele.
Comment: CAD: PM2:Supporting, BP4, BP7